The following is an entry in ClinVar:

NM_002890.3(RASA1):c.1532A>C (p.Lys511Thr)

Genes: CCNH (cyclin H; minus strand), RASA1 (RAS p21 protein activator 1; plus strand). Cytogenetic location: 5q14.3.
Variant type: single nucleotide variant.
Coding change: c.1532A>C on transcript NM_002890.3 (MANE Select); coding-DNA position 1532, A replaced by C.
Protein change: p.Lys511Thr; replaces lysine 511 with threonine.
Molecular consequence: missense variant. On other transcripts: intron variant (1).
Genome position (GRCh38, 1-based): chr5:87,363,426, A>C. VCF-style: chr5-87363426-A-C. GRCh37 (hg19) VCF-style: chr5-86659243-A-C.
Other names: c.1001A>C, p.Lys334Thr (NM_022650.3); c.933+31618T>G (NM_001364075.2); short protein forms K334T, K511T.
Identifiers: ClinVar variation 3651696 (VCV003651696.2).

ClinVar aggregate classification (germline): Uncertain significance (1 of 4 stars; one submission).

Conditions:
Capillary malformation-arteriovenous malformation syndrome. Also called: Capillary malformation-arteriovenous malformation. Identifiers: Orphanet 137667, MedGen C1842180, MONDO:0012016.

Submission:

Labcorp Genetics (formerly Invitae), Labcorp
Classification: Uncertain significance for Capillary malformation-arteriovenous malformation syndrome. Last evaluated: 2025-05-28. Review status: criteria provided, single submitter. Criteria: Invitae Variant Classification Sherloc (09022015). Collection method: clinical testing. Allele origin: germline.
Comment: This sequence change replaces lysine, which is basic and polar, with threonine, which is neutral and polar, at codon 511 of the RASA1 protein (p.Lys511Thr). This variant is not present in population databases (gnomAD no frequency). This variant has not been reported in the literature in individuals affected with RASA1-related conditions. ClinVar contains an entry for this variant (Variation ID: 3651696). An algorithm developed to predict the effect of missense changes on protein structure and function (PolyPhen-2) suggests that this variant is likely to be disruptive. In summary, the available evidence is currently insufficient to determine the role of this variant in disease. Therefore, it has been classified as a Variant of Uncertain Significance.